The following is an entry in ClinVar:

NM_001042492.3(NF1):c.3073del (p.Arg1025fs)

Gene: NF1 (neurofibromin 1; plus strand). Cytogenetic location: 17q11.2.
Variant type: Deletion.
Coding change: c.3073del on transcript NM_001042492.3 (MANE Select); coding-DNA position 3073, one base deleted (A; older notation c.3073delA).
Protein change: p.Arg1025fs; shifts the reading frame from arginine 1025.
Molecular consequence: frameshift variant.
Genome position (GRCh38, 1-based): chr17:31,230,342, A deleted; the last of 2 consecutive A bases (chr17:31,230,341-31,230,342); deleting either gives the same sequence. VCF-style (leftmost placement, unchanged base first): chr17-31230340-CA-C. GRCh37 (hg19) VCF-style: chr17-29557358-CA-C.
Other names: c.3073delA, p.Arg1025Glyfs (NM_000267.4); short protein forms R1025fs.
Identifiers: ClinVar variation 1071611 (VCV001071611.5), dbSNP rs2151431675, ClinGen allele CA2499224083.

ClinVar aggregate classification (germline): Pathogenic (1 of 4 stars; one submission).

Conditions:
Neurofibromatosis, type 1 (NF1). Also called: VON RECKLINGHAUSEN DISEASE; Peripheral type neurofibromatosis; NEUROFIBROMATOSIS, TYPE I, SOMATIC; Neurofibromatosis, type I. Identifiers: Orphanet 636, MedGen C0027831, MONDO:0018975, OMIM 162200. Disease mechanism: loss of function.

Submission:

Labcorp Genetics (formerly Invitae), Labcorp
Classification: Pathogenic for Neurofibromatosis, type 1. Last evaluated: 2022-11-25. Review status: criteria provided, single submitter. Criteria: Invitae Variant Classification Sherloc (09022015). Collection method: clinical testing. Allele origin: germline.
Comment: For these reasons, this variant has been classified as Pathogenic. ClinVar contains an entry for this variant (Variation ID: 1071611). This variant has not been reported in the literature in individuals affected with NF1-related conditions. This variant is not present in population databases (gnomAD no frequency). This sequence change creates a premature translational stop signal (p.Arg1025Glyfs*11) in the NF1 gene. It is expected to result in an absent or disrupted protein product. Loss-of-function variants in NF1 are known to be pathogenic (PMID: 10712197, 23913538).

Literature cited by the submitters: PubMed 10712197; PubMed 23913538.